The following is an entry in ClinVar:

NM_207361.6(FREM2):c.*342G>A

Gene: FREM2 (FRAS1 related extracellular matrix 2; plus strand). Cytogenetic location: 13q13.3.
Variant type: single nucleotide variant.
Coding change: c.*342G>A on transcript NM_207361.6 (MANE Select); 342 bases downstream of the stop codon, G replaced by A.
Molecular consequence: 3 prime UTR variant.
Genome position (GRCh38, 1-based): chr13:38,881,129, G>A. VCF-style: chr13-38881129-G-A. GRCh37 (hg19) VCF-style: chr13-39455266-G-A.
Identifiers: ClinVar variation 312045 (VCV000312045.6), dbSNP rs9603463, ClinGen allele CA10639499.

ClinVar aggregate classification (germline): Benign. Review status: criteria provided, multiple submitters, no conflicts (2 of 4 stars). 2 submissions from 2 submitters: Benign (2). Last evaluated 2018-01-13.

Conditions:
Fraser syndrome 2 (FRASRS2). Identifiers: MedGen C4540036, MONDO:0054738, OMIM 617666.

Allele frequency attached by ClinVar (database versions not stated): 1000 Genomes Project 30x 0.32277; 1000 Genomes Project 0.32628; TOPMed 0.34173; gnomAD 0.35317 and 0.35702; gnomAD exomes 0.35536.
gnomAD v4.1: 125,907 of 355,180 alleles (35%); highest among the groups gnomAD compares: East Asian, 49%; 23,465 homozygotes.

Submissions (2):

Illumina Laboratory Services, Illumina
Classification: Benign for Fraser syndrome 2. Last evaluated: 2018-01-13. Review status: criteria provided, single submitter. Criteria: ICSL Variant Classification Criteria 13 December 2019. Collection method: clinical testing. Allele origin: germline.
Comment: This variant was observed in the ICSL laboratory as part of a predisposition screen in an ostensibly healthy population. It had not been previously curated by ICSL or reported in the Human Gene Mutation Database (HGMD: prior to June 1st, 2018), and was therefore a candidate for classification through an automated scoring system. Utilizing variant allele frequency, disease prevalence and penetrance estimates, and inheritance mode, an automated score was calculated to assess if this variant is too frequent to cause the disease. Based on the score and internal cut-off values, a variant classified as benign is not then subjected to further curation. The score for this variant resulted in a classification of benign for this disease.

Breakthrough Genomics
Classification: Benign. Review status: criteria provided, single submitter. Criteria: ACMG Guidelines, 2015. Collection method: not provided. Allele origin: germline. Inheritance: Autosomal recessive inheritance. Affected: yes.